The following is an entry in ClinVar:

NM_138927.4(SON):c.3530C>T (p.Pro1177Leu)

Gene: SON (SON DNA and RNA binding protein; plus strand). Cytogenetic location: 21q22.11.
Variant type: single nucleotide variant.
Coding change: c.3530C>T on transcript NM_138927.4 (MANE Select); coding-DNA position 3530, C replaced by T.
Protein change: p.Pro1177Leu; replaces proline 1177 with leucine.
Molecular consequence: missense variant. On other transcripts: non-coding transcript variant (1), intron variant (1).
Genome position (GRCh38, 1-based): chr21:33,552,761, C>T. VCF-style: chr21-33552761-C-T. GRCh37 (hg19) VCF-style: chr21-34925067-C-T.
Other names: c.3530C>T, p.Pro1177Leu (NM_001291411.2, NM_032195.3); c.245-4395C>T (NM_001291412.3); c.3530C>T (NM_138927.1); short protein forms P1177L.
Identifiers: ClinVar variation 1032270 (VCV001032270.2), dbSNP rs1271288888, ClinGen allele CA410160395.
Genomic context (GRCh38, chr21:33,552,761, plus strand): 5'-TGCCACCGTTGCCACCTGAGGAGCCACCAATGACACCACCATTGCCTCCTGAGGAACCAC[C>T]AGAGGGTCCAGCATTGCCCACTGAGCAGTCAGCATTAACAGCTGAAAATACTTGGCCTAC-3'
Protein context (NP_620305.3, residues 1167-1187): MTPPLPPEEP[Pro1177Leu]EGPALPTEQS

ClinVar aggregate classification (germline): Uncertain significance. Review status: criteria provided, multiple submitters, no conflicts (2 of 4 stars). 2 submissions from 2 submitters: Uncertain significance (2). Last evaluated 2025-04-14.

Conditions:
ZTTK syndrome (ZTTKS). Also called: ZTTK MULTIPLE CONGENITAL ANOMALIES-MENTAL RETARDATION SYNDROME; Zhu-Tokita-Takenouchi-Kim Syndrome. Identifiers: Orphanet 500150, MedGen C4310696, MONDO:0014936, OMIM 617140.
Inborn genetic diseases. Identifiers: MedGen C0950123, MeSH D030342.

Allele frequency attached by ClinVar (database versions not stated): gnomAD exomes below 0.00001 and 0.00001; TOPMed below 0.00001; gnomAD 0.00001.

Submissions (2):

Ambry Genetics
Classification: Uncertain significance for Inborn genetic diseases. Last evaluated: 2025-04-14. Review status: criteria provided, single submitter. Criteria: Ambry Variant Classification Scheme 2023. Collection method: clinical testing. Allele origin: germline.

Baylor Genetics
Classification: Uncertain significance for ZTTK syndrome. Last evaluated: 2018-09-21. Review status: criteria provided, single submitter. Criteria: ACMG Guidelines, 2015. Collection method: clinical testing. Allele origin: paternal. Affected: yes.
Comment: This variant was determined to be of uncertain significance according to ACMG Guidelines, 2015 [PMID:25741868].